The following is an entry in ClinVar:

NM_001195305.3(BBIP1):c.116C>T (p.Pro39Leu)

Gene: BBIP1 (BBSome interacting protein 1; minus strand). Cytogenetic location: 10q25.2.
Variant type: single nucleotide variant.
Coding change: c.116C>T on transcript NM_001195305.3 (MANE Select); coding-DNA position 116, C replaced by T.
Protein change: p.Pro39Leu; replaces proline 39 with leucine.
Molecular consequence: missense variant. On other transcripts: synonymous variant (1).
Genome position (GRCh38, 1-based): chr10:110,900,523, G>A on the plus strand (C>T on the coding strand, the complement: BBIP1 is on the minus strand). VCF-style: chr10-110900523-G-A. GRCh37 (hg19) VCF-style: chr10-112660281-G-A.
Other names: c.273C>T, p.Ala91= (NM_001195304.2); c.116C>T, p.Pro39Leu (NM_001195306.2); c.41C>T, p.Pro14Leu (NM_001195307.2); c.50C>T, p.Pro17Leu (NM_001243783.3); c.273C>T (NM_001195304.1); short protein forms P14L, P17L, P39L.
Identifiers: ClinVar variation 965990 (VCV000965990.14), dbSNP rs912754275, ClinGen allele CA213246806.
Genomic context (GRCh38, chr10:110,900,523, plus strand): 5'-TTTAAGGGTAAAAGTTTGGGTTTACACAGCACCATTGTCATTATATCTTCCACAAACAGT[G>A]GCCCTAAGTTTAACAAGAAATAAGAATTAATTCAAGAAAGATAACCCAGTTGTTTGTAGT-3'
Protein context (NP_001182234.1, residues 29-49): MFREVLPKQG[Pro39Leu]LFVEDIMTMV

ClinVar aggregate classification (germline): Conflicting classifications of pathogenicity. Review status: criteria provided, conflicting classifications (1 of 4 stars). 5 submissions from 5 submitters: Uncertain significance (3); Likely benign (2). Last evaluated 2026-05-13.

Conditions:
BBIP1-related disorder. Also called: BBIP1-related condition.
Bardet-Biedl syndrome 18 (BBS18). Identifiers: Orphanet 110, MedGen C3806174, MONDO:0014446, OMIM 615995.

Allele frequency attached by ClinVar (database versions not stated): gnomAD exomes 0.00003 and 0.00011; gnomAD 0.00017; TOPMed 0.00017.
gnomAD v4.1: 69 of 1,514,956 alleles (0.0046%); highest among the groups gnomAD compares: Admixed American, 0.09%; no homozygotes.

Submissions (5):

PreventionGenetics, part of Exact Sciences
Classification: Uncertain significance for BBIP1-related condition. Last evaluated: 2026-05-13. Review status: criteria provided, single submitter. Criteria: ACMG Guidelines, 2015. Collection method: clinical testing. Allele origin: germline.
Comment: The BBIP1 c.116C>T variant is predicted to result in the amino acid substitution p.Pro39Leu. To our knowledge, this variant has not been reported in the literature. This variant is reported in 0.060% of alleles in individuals of Latino descent in gnomAD, which may be too common to be an unreported pathogenic variant. Although we suspect that this variant may be benign, at this time, the clinical significance of this variant is uncertain due to the absence of conclusive functional and genetic evidence.

Ambry Genetics
Classification: Likely benign. Last evaluated: 2025-12-08. Review status: criteria provided, single submitter. Criteria: Ambry Variant Classification Scheme 2023. Collection method: clinical testing. Allele origin: germline.

Labcorp Genetics (formerly Invitae), Labcorp
Classification: Uncertain significance. Last evaluated: 2025-11-18. Review status: criteria provided, single submitter. Criteria: Invitae Variant Classification Sherloc (09022015). Collection method: clinical testing. Allele origin: germline.
Comment: This sequence change replaces proline, which is neutral and non-polar, with leucine, which is neutral and non-polar, at codon 39 of the BBIP1 protein (p.Pro39Leu). This variant is present in population databases (no rsID available, gnomAD 0.05%). This variant has not been reported in the literature in individuals affected with BBIP1-related conditions. ClinVar contains an entry for this variant (Variation ID: 965990). An algorithm developed to predict the effect of missense changes on protein structure and function (PolyPhen-2) suggests that this variant is likely to be tolerated. In summary, the available evidence is currently insufficient to determine the role of this variant in disease. Therefore, it has been classified as a Variant of Uncertain Significance.

Blueprint Genetics
Classification: Likely benign. Last evaluated: 2024-07-10. Review status: criteria provided, single submitter. Criteria: ACMG Guidelines, 2015. Collection method: clinical testing. Allele origin: germline.

Fulgent Genetics
Classification: Uncertain significance for Bardet-Biedl syndrome 18. Last evaluated: 2022-02-26. Review status: criteria provided, single submitter. Criteria: ACMG Guidelines, 2015. Collection method: clinical testing. Allele origin: unknown.